The following is an entry in ClinVar:

NM_001377304.1(GFI1B):c.609C>G (p.His203Gln)

Gene: GFI1B (growth factor independent 1B transcriptional repressor; plus strand). Cytogenetic location: 9q34.13.
Variant type: single nucleotide variant.
Coding change: c.609C>G on transcript NM_001377304.1 (MANE Select); coding-DNA position 609, C replaced by G.
Protein change: p.His203Gln; replaces histidine 203 with glutamine.
Molecular consequence: missense variant. On other transcripts: intron variant (2).
Genome position (GRCh38, 1-based): chr9:132,989,159, C>G. VCF-style: chr9-132989159-C-G. GRCh37 (hg19) VCF-style: chr9-135864546-C-G.
Other names: p.His203Gln; c.609C>G, p.His203Gln (NM_004188.8, NM_001371908.1); c.511-583C>G (NM_001135031.2, NM_001377305.1); short protein forms H203Q.
Identifiers: ClinVar variation 4541494 (VCV004541494.1).

ClinVar aggregate classification (germline): Uncertain significance (1 of 4 stars; one submission).

gnomAD v4.1: 6 of 1,613,874 alleles (0.00037%); highest among the groups gnomAD compares: East Asian, 0.013%; no homozygotes.

Submission:

Mayo Clinic Laboratories, Mayo Clinic
Classification: Uncertain significance. Last evaluated: 2025-01-21. Review status: criteria provided, single submitter. Criteria: ACMG Guidelines, 2015. Collection method: clinical testing. Allele origin: germline. Observed: 1 variant allele.
Comment: PM2_supporting